The following continues an entry in ClinVar:

NM_015338.6(ASXL1):c.1934dup (p.Gly646fs)

Gene: ASXL1. ClinVar aggregate classification (germline): Conflicting classifications of pathogenicity. Pathogenic (12); Likely pathogenic (3); Uncertain significance (1). ClinVar aggregate classification (somatic clinical impact): Tier I - Strong. ClinVar aggregate classification (oncogenicity): Oncogenic.

Submissions 11 to 20 of 20:

Institute for Genomic Medicine (IGM) Clinical Laboratory, Nationwide Children's Hospital
Classification: Tier I - Strong for Diffuse midline glioma, H3 K27M-mutant. Assertion type: diagnostic. Clinical significance: supports diagnosis. Last evaluated: 2023-09-28. Review status: criteria provided, single submitter. Criteria: AMP/ASCO/CAP Guidelines, 2017. Collection method: clinical testing. Allele origin: somatic. Affected: yes.
Comment: Variant has Tier I (strong) clinical significance as a diagnostic inclusion criterion in diffuse midline glioma, H3 K27M-mutant, based on the following evidence: 1) Documented in one or more cancer databases (e.g., St. Jude Pecan, COSMIC, CIViC, OncoKB). 2) Information in the literature supports potential biologic effect of variant (PMIDs: 24216483, 26095772). 3) Diagnostic for a specific tumor type/classification based on well-powered studies with expert-level consensus (Evidence Level B; PMIDs: 28966033, 34257334, 32680567, 28453743, 27034984).

Revvity Omics, Revvity
Classification: Pathogenic for Bohring-Opitz syndrome. Last evaluated: 2022-10-03. Review status: criteria provided, single submitter. Criteria: ACMG Guidelines, 2015. Collection method: clinical testing. Allele origin: germline.

Institute for Genomic Medicine (IGM) Clinical Laboratory, Nationwide Children's Hospital
Classification: Tier II - Potential for Ependymoma. Assertion type: diagnostic. Clinical significance: supports diagnosis. Last evaluated: 2022-09-04. Review status: criteria provided, single submitter. Criteria: AMP/ASCO/CAP Guidelines, 2017. Collection method: clinical testing. Allele origin: somatic. Affected: yes. Not counted in ClinVar's aggregate classification.
Comment: Variant has Tier II (potential) clinical significance as a diagnostic inclusion criterion in ependymoma, based on the following evidence: 1) Documented in one or more cancer databases (e.g., St. Jude Pecan, COSMIC, CIViC, OncoKB). 2) Appears in one or more well-established professional guidelines (e.g., World Health Organization [WHO]; National Comprehensive Cancer Network [NCCN]) as providing diagnostic, prognostic, or therapeutic information. 3) Assists in diagnosis alone or along with other biomarkers based on small studies or few case reports (Evidence Level D; PMID: 34570300).

Laboratorio de Genetica e Diagnostico Molecular, Hospital Israelita Albert Einstein
Classification: Pathogenic for Bohring-Opitz syndrome. Last evaluated: 2022-06-14. Review status: criteria provided, single submitter. Criteria: ACMG Guidelines, 2015. Collection method: clinical testing. Allele origin: germline. Affected: yes. Observed: 1 variant allele.
Comment: ACMG classification criteria: PVS1 very strong, PS4 supporting, PM2 moderated, PM6 strong

Athena Diagnostics
Classification: Pathogenic. Last evaluated: 2021-05-27. Review status: criteria provided, single submitter. Criteria: Athena Diagnostics Criteria. Collection method: clinical testing. Allele origin: unknown.
Comment: This variant causes a frameshift at codon 646 which results in the creation of a premature stop codon and the loss of 896 amino acids. Multiple truncating variants in this region have been reported in patients with Bohring-Opitz syndrome (PMID: 21706002, 28229513). This variant has been confirmed to occur de novo in multiple individuals with clinical features associated with this gene (PMID: 29681105, 30147881). This variant has been observed in the general population at a frequency higher than expected for a pathogenic variant in this gene. However, this frequency may represent acquired somatic mosaicism which has been reported to occur with age during hematopoietic clonal expansion of cells with pathogenic ASXL1 variants in healthy individuals.

Equipe Genetique des Anomalies du Developpement, Université de Bourgogne
Classification: Likely pathogenic for Bohring-Opitz syndrome. Last evaluated: 2021-03-10. Review status: criteria provided, single submitter. Criteria: ACMG Guidelines, 2015. Collection method: clinical testing. Allele origin: de novo. Affected: yes. Study: Clinvar_gadteam_Clinical_exome_analysis_3.

Institute of Human Genetics, University of Leipzig Medical Center
Classification: Pathogenic for Bohring-Opitz syndrome. Last evaluated: 2020-12-18. Review status: criteria provided, single submitter. Criteria: ACMG Guidelines, 2015. Collection method: clinical testing. Allele origin: de novo. Affected: yes.
Comment: This variant was identified as de novo (maternity and paternity confirmed).

Baylor Genetics
Classification: Pathogenic for Bohring-Opitz syndrome. Last evaluated: 2018-08-22. Review status: criteria provided, single submitter. Criteria: ACMG Guidelines, 2015. Collection method: clinical testing. Allele origin: de novo. Affected: yes.
Comment: This variant was determined to be pathogenic according to ACMG Guidelines, 2015 [PMID:25741868].

Equipe Genetique des Anomalies du Developpement, Université de Bourgogne
Classification: Likely pathogenic for Abnormal brain morphology. Review status: criteria provided, single submitter. Criteria: ACMG Guidelines, 2015. Collection method: clinical testing. Allele origin: de novo. Affected: yes.

PreventionGenetics, part of Exact Sciences
Classification: Pathogenic for ASXL1-related condition. Last evaluated: 2024-07-03. Review status: no assertion criteria provided. Collection method: clinical testing. Allele origin: germline. Not counted in ClinVar's aggregate classification.
Comment: The ASXL1 c.1934dupG variant is predicted to result in a frameshift and premature protein termination (p.Gly646Trpfs*12). This variant has been reported as causative for Bohring-Opitz syndrome in two patients in the literature (Kibe et al. 2018. PubMed ID: 29681105; Urreizti et al. 2018. PubMed ID: 30147881). This variant is present in gnomAD in 0.064% of alleles in individuals of European (Non-Finnish) descent in gnomAD, but it fails data-quality filters, indicative of sequencing errors common to this type of homopolymer (repeat of G nucleotides). Heterozygous frameshift variants in ASXL1 are expected to be pathogenic for autosomal dominant Bohring-Opitz syndrome. This variant is interpreted as pathogenic.

Literature cited by the submitters: PubMed 22897849 (cited by Dept of Medical Biology, Uskudar University); PubMed 19609284 (cited by Dept of Medical Biology, Uskudar University); PubMed 29959414 (cited by Dept of Medical Biology, Uskudar University); PubMed 20596031 (cited by Dept of Medical Biology, Uskudar University); PubMed 25426837 (cited by Dept of Medical Biology, Uskudar University); PubMed 29681105 (cited by 3 submitters); PubMed 30147881 (cited by 3 submitters); PubMed 35361921 (cited by Variantyx, Inc.); PubMed 21706002 (cited by Dasa); PubMed 22419483 (cited by Dasa); PubMed 26095772 (cited by Center for Genomic Medicine, Rigshospitalet, Copenhagen University Hospital and Institute for Genomic Medicine (IGM) Clinical Laboratory, Nationwide Children's Hospital); PubMed 22489043 (cited by Women's Health and Genetics/Laboratory Corporation of America, LabCorp); PubMed 24442206 (cited by Women's Health and Genetics/Laboratory Corporation of America, LabCorp); PubMed 24458439 (cited by Women's Health and Genetics/Laboratory Corporation of America, LabCorp); PubMed 25652455 (cited by Women's Health and Genetics/Laboratory Corporation of America, LabCorp); PubMed 24695057 (cited by Women's Health and Genetics/Laboratory Corporation of America, LabCorp); PubMed 23018865 (cited by Women's Health and Genetics/Laboratory Corporation of America, LabCorp); PubMed 21881046 (cited by Women's Health and Genetics/Laboratory Corporation of America, LabCorp); PubMed 23619563 (cited by Women's Health and Genetics/Laboratory Corporation of America, LabCorp); PubMed 20880116 (cited by Women's Health and Genetics/Laboratory Corporation of America, LabCorp); PubMed 23690417 (cited by Women's Health and Genetics/Laboratory Corporation of America, LabCorp); PubMed 22031865 (cited by Women's Health and Genetics/Laboratory Corporation of America, LabCorp); PubMed 25596267 (cited by Women's Health and Genetics/Laboratory Corporation of America, LabCorp); PubMed 22058207 (cited by Women's Health and Genetics/Laboratory Corporation of America, LabCorp); PubMed 24496303 (cited by Women's Health and Genetics/Laboratory Corporation of America, LabCorp); PubMed 21576631 (cited by Women's Health and Genetics/Laboratory Corporation of America, LabCorp); PubMed 24255920 (cited by Women's Health and Genetics/Laboratory Corporation of America, LabCorp); PubMed 27895058 (cited by Women's Health and Genetics/Laboratory Corporation of America, LabCorp); PubMed 27276561 (cited by Women's Health and Genetics/Laboratory Corporation of America, LabCorp); PubMed 24216483 (cited by Institute for Genomic Medicine (IGM) Clinical Laboratory, Nationwide Children's Hospital); PubMed 28966033 (cited by Institute for Genomic Medicine (IGM) Clinical Laboratory, Nationwide Children's Hospital); PubMed 34257334 (cited by Institute for Genomic Medicine (IGM) Clinical Laboratory, Nationwide Children's Hospital); PubMed 32680567 (cited by Institute for Genomic Medicine (IGM) Clinical Laboratory, Nationwide Children's Hospital); PubMed 28453743 (cited by Institute for Genomic Medicine (IGM) Clinical Laboratory, Nationwide Children's Hospital); PubMed 27034984 (cited by Institute for Genomic Medicine (IGM) Clinical Laboratory, Nationwide Children's Hospital); PubMed 34570300 (cited by Institute for Genomic Medicine (IGM) Clinical Laboratory, Nationwide Children's Hospital).